The following is an entry in ClinVar:

NM_198578.4(LRRK2):c.5318G>T (p.Gly1773Val)

Gene: LRRK2 (leucine rich repeat kinase 2; plus strand). Cytogenetic location: 12q12.
Variant type: single nucleotide variant.
Coding change: c.5318G>T on transcript NM_198578.4 (MANE Select); coding-DNA position 5318, G replaced by T.
Protein change: p.Gly1773Val; replaces glycine 1773 with valine.
Molecular consequence: missense variant.
Genome position (GRCh38, 1-based): chr12:40,322,319, G>T. VCF-style: chr12-40322319-G-T. GRCh37 (hg19) VCF-style: chr12-40716121-G-T.
Other names: short protein forms G1773V.
Identifiers: ClinVar variation 3772587 (VCV003772587.13).

ClinVar aggregate classification (germline): Uncertain significance (1 of 4 stars; one submission).

Submission:

CeGaT Center for Human Genetics Tuebingen
Classification: Uncertain significance. Last evaluated: 2025-02-01. Review status: criteria provided, single submitter. Criteria: CeGaT Center For Human Genetics Tuebingen Variant Classification Criteria Version 2. Collection method: clinical testing. Allele origin: germline. Affected: yes. Observed: 1 variant allele.
Comment: LRRK2: PM2, PP3